The following is an entry in ClinVar:

ClinVar aggregate classification (germline): Uncertain significance (1 of 4 stars; one submission).

Allele frequency attached by ClinVar (database versions not stated): gnomAD exomes below 0.00001; gnomAD 0.00001.

Submission:

GeneDx
Classification: Uncertain significance. Last evaluated: 2022-04-29. Review status: criteria provided, single submitter. Criteria: GeneDx Variant Classification Process June 2021. Collection method: clinical testing. Allele origin: germline. Affected: yes.
Comment: Not observed at significant frequency in large population cohorts (gnomAD); In silico analysis supports that this missense variant has a deleterious effect on protein structure/function; Has not been previously published as pathogenic or benign to our knowledge

NM_024496.4(IRF2BPL):c.1877C>T (p.Ala626Val)

Gene: IRF2BPL (interferon regulatory factor 2 binding protein like; minus strand). Cytogenetic location: 14q24.3.
Variant type: single nucleotide variant.
Coding change: c.1877C>T on transcript NM_024496.4 (MANE Select); coding-DNA position 1877, C replaced by T.
Protein change: p.Ala626Val; replaces alanine 626 with valine.
Molecular consequence: missense variant.
Genome position (GRCh38, 1-based): chr14:77,025,916, G>A on the plus strand (C>T on the coding strand, the complement: IRF2BPL is on the minus strand). VCF-style: chr14-77025916-G-A. GRCh37 (hg19) VCF-style: chr14-77492259-G-A.
Other names: short protein forms A626V.
Identifiers: ClinVar variation 1712705 (VCV001712705.2), dbSNP rs1885099769, ClinGen allele CA390489520.
Genomic context (GRCh38, chr14:77,025,916, plus strand): 5'-ACGGAACTGCCATCCTTGGGCGAGTGCGCTGTGCCCAGAGTATCTGCCACCGACATGAGA[G>A]CGGCCATAGGGGACGGACCGTTCTGGGGGGCTGACTCAGGTGGGGTGGTCCGGTTGGAAT-3'
Protein context (NP_078772.1, residues 616-636): APQNGPSPMA[Ala626Val]LMSVADTLGT